The following is an entry in ClinVar:

ClinVar aggregate classification (germline): Pathogenic (1 of 4 stars; one submission).

Conditions:
Bernard Soulier syndrome (BSS). Also called: Platelet Glycoprotein 1b, Deficiency of; GLYCOPROTEIN Ib, PLATELET, DEFICIENCY OF; Giant platelet syndrome; Hemorrhagiparous thrombocytic dystrophy; Giant platelet disease; BLEEDING DISORDER, PLATELET-TYPE, 1. Identifiers: Orphanet 274, MedGen C0005129, MeSH D001606, MONDO:0009276, OMIM 231200.

Submission:

Institute of Immunology and Genetics Kaiserslautern
Classification: Pathogenic for Bernard Soulier syndrome. Last evaluated: 2024-09-19. Review status: criteria provided, single submitter. Criteria: ACMG Guidelines, 2015. Collection method: clinical testing. Allele origin: germline. Affected: yes.
Comment: ACMG Criteria: PVS1, PM2, PP4; Variant was found in homozygous state.

NM_000174.5(GP9):c.46dup (p.Ala16fs)

Gene: GP9 (glycoprotein IX platelet; plus strand). Cytogenetic location: 3q21.3.
Variant type: Duplication.
Coding change: c.46dup on transcript NM_000174.5 (MANE Select); coding-DNA position 46, one base duplicated (G; older notation c.46dupG).
Protein change: p.Ala16fs; shifts the reading frame from alanine 16.
Molecular consequence: frameshift variant.
Genome position (GRCh38, 1-based): chr3:129,061,785, G duplicated; the last of 2 consecutive G bases (chr3:129,061,784-129,061,785); duplicating either gives the same sequence. VCF-style (leftmost placement, unchanged base first): chr3-129061783-A-AG. GRCh37 (hg19) VCF-style: chr3-128780626-A-AG.
Other names: short protein forms A16fs.
Identifiers: ClinVar variation 3366941 (VCV003366941.1).